The following is an entry in ClinVar:

NM_006361.6(HOXB13):c.61G>A (p.Ala21Thr)

Gene: HOXB13 (homeobox B13; minus strand). Cytogenetic location: 17q21.32.
Variant type: single nucleotide variant.
Coding change: c.61G>A on transcript NM_006361.6 (MANE Select); coding-DNA position 61, G replaced by A.
Protein change: p.Ala21Thr; replaces alanine 21 with threonine.
Molecular consequence: missense variant.
Genome position (GRCh38, 1-based): chr17:48,728,533, C>T on the plus strand (G>A on the coding strand, the complement: HOXB13 is on the minus strand). VCF-style: chr17-48728533-C-T. GRCh37 (hg19) VCF-style: chr17-46805895-C-T.
Other names: short protein forms A21T.
Identifiers: ClinVar variation 3526283 (VCV003526283.2).

ClinVar aggregate classification (germline): Conflicting classifications of pathogenicity. Review status: criteria provided, conflicting classifications (1 of 4 stars). 2 submissions from 2 submitters: Uncertain significance (1); Likely benign (1). Last evaluated 2025-04-08.

Conditions:
Hereditary cancer-predisposing syndrome. Also called: Hereditary Cancer Syndrome; Hereditary neoplastic syndrome; Tumor predisposition; Neoplastic Syndromes, Hereditary. Identifiers: Orphanet 140162, MedGen C0027672, MeSH D009386, MONDO:0015356.

Submissions (2):

Labcorp Genetics (formerly Invitae), Labcorp
Classification: Uncertain significance. Last evaluated: 2025-04-08. Review status: criteria provided, single submitter. Criteria: Invitae Variant Classification Sherloc (09022015). Collection method: clinical testing. Allele origin: germline.
Comment: This sequence change replaces alanine, which is neutral and non-polar, with threonine, which is neutral and polar, at codon 21 of the HOXB13 protein (p.Ala21Thr). This variant is not present in population databases (gnomAD no frequency). This variant has not been reported in the literature in individuals affected with HOXB13-related conditions. ClinVar contains an entry for this variant (Variation ID: 3526283). An algorithm developed to predict the effect of missense changes on protein structure and function outputs the following: PolyPhen-2: "Benign". The threonine amino acid residue is found in multiple mammalian species, which suggests that this missense change does not adversely affect protein function. In summary, the available evidence is currently insufficient to determine the role of this variant in disease. Therefore, it has been classified as a Variant of Uncertain Significance.

Ambry Genetics
Classification: Likely benign for Hereditary cancer-predisposing syndrome. Last evaluated: 2024-11-08. Review status: criteria provided, single submitter. Criteria: Ambry Variant Classification Scheme 2023. Collection method: clinical testing. Allele origin: germline.